The following is an entry in ClinVar:

ClinVar aggregate classification (germline): Uncertain significance (1 of 4 stars; one submission).

Submission:

Dasa
Classification: Uncertain significance. Last evaluated: 2026-04-12. Review status: criteria provided, single submitter. Criteria: DASA Assertion Criteria. Collection method: clinical testing. Allele origin: germline.
Comment: NM_015726.4(DCAF8):c.356A>C (p.Gln119Pro) is a missense variant that results in the substitution of glutamine with proline. This variant is rare in population databases. The currently available literature and clinical evidence are not sufficient to establish a definitive association between this variant and the reported condition. Therefore, this variant is classified as a variant of uncertain significance.

NM_015726.4(DCAF8):c.356A>C (p.Gln119Pro)

Gene: DCAF8 (DDB1 and CUL4 associated factor 8; minus strand). Cytogenetic location: 1q23.2.
Variant type: single nucleotide variant.
Coding change: c.356A>C on transcript NM_015726.4 (MANE Select); coding-DNA position 356, A replaced by C.
Protein change: p.Gln119Pro; replaces glutamine 119 with proline.
Molecular consequence: missense variant. On other transcripts: non-coding transcript variant (4).
Genome position (GRCh38, 1-based): chr1:160,240,064, T>G on the plus strand (A>C on the coding strand, the complement: DCAF8 is on the minus strand). VCF-style: chr1-160240064-T-G. GRCh37 (hg19) VCF-style: chr1-160209854-T-G.
Other names: short protein forms Q119P.
Identifiers: ClinVar variation 4881655 (VCV004881655.2).